The following is an entry in ClinVar:

ClinVar aggregate classification (germline): Uncertain significance (1 of 4 stars; one submission).

Submission:

Ambry Genetics
Classification: Uncertain significance. Last evaluated: 2023-12-08. Review status: criteria provided, single submitter. Criteria: Ambry Variant Classification Scheme 2023. Collection method: clinical testing. Allele origin: germline.
Comment: The p.D90E variant (also known as c.270C>G), located in coding exon 4 of the NPAT gene, results from a C to G substitution at nucleotide position 270. The aspartic acid at codon 90 is replaced by glutamic acid, an amino acid with highly similar properties. This amino acid position is conserved. In addition, this alteration is predicted to be tolerated by in silico analysis. Since supporting evidence is limited at this time, the clinical significance of this alteration remains unclear.

NM_002519.3(NPAT):c.270C>G (p.Asp90Glu)

Gene: NPAT (nuclear protein, coactivator of histone transcription; minus strand). Cytogenetic location: 11q22.3.
Variant type: single nucleotide variant.
Coding change: c.270C>G on transcript NM_002519.3 (MANE Select); coding-DNA position 270, C replaced by G.
Protein change: p.Asp90Glu; replaces aspartic acid 90 with glutamic acid.
Molecular consequence: missense variant.
Genome position (GRCh38, 1-based): chr11:108,192,138, G>C on the plus strand (C>G on the coding strand, the complement: NPAT is on the minus strand). VCF-style: chr11-108192138-G-C. GRCh37 (hg19) VCF-style: chr11-108062865-G-C.
Other names: c.270C>G, p.Asp90Glu (NM_001321307.1); short protein forms D90E.
Identifiers: ClinVar variation 3222548 (VCV003222548.1), dbSNP rs2496751297, ClinGen allele CA382526567.
Genomic context (GRCh38, chr11:108,192,138, plus strand): 5'-GCATTCCAAAATCATTAGGCACATTCTAATAGCTTATTACCTGATCTGAGAAAGTGTATG[G>C]TCCAATTTCTTCCATAGAGATGACATTATTGCTGGGACATTATTTGATGTTTCTAAATCA-3'
Protein context (NP_002510.2, residues 80-100): AIMSSLWKKL[Asp90Glu]HTLSQIRSMQ